The following is an entry in ClinVar:

NM_002528.7(NTHL1):c.139G>T (p.Val47Leu)

Gene: NTHL1 (nth like DNA glycosylase 1; minus strand). Cytogenetic location: 16p13.3.
Variant type: single nucleotide variant.
Coding change: c.139G>T on transcript NM_002528.7 (MANE Select); coding-DNA position 139, G replaced by T.
Protein change: p.Val47Leu; replaces valine 47 with leucine.
Molecular consequence: missense variant. On other transcripts: 5 prime UTR variant (1).
Genome position (GRCh38, 1-based): chr16:2,046,343, C>A on the plus strand (G>T on the coding strand, the complement: NTHL1 is on the minus strand). VCF-style: chr16-2046343-C-A. GRCh37 (hg19) VCF-style: chr16-2096344-C-A.
Other names: c.163G>T (NM_002528.5); c.139G>T, p.Val47Leu (NM_001318193.2); c.-40G>T (NM_001318194.2); short protein forms V47L.
Identifiers: ClinVar variation 3713934 (VCV003713934.3).

ClinVar aggregate classification (germline): Conflicting classifications of pathogenicity. Review status: criteria provided, conflicting classifications (1 of 4 stars). 2 submissions from 2 submitters: Uncertain significance (1); Likely benign (1). Last evaluated 2026-02-17.

Conditions:
Hereditary cancer-predisposing syndrome. Also called: Hereditary Cancer Syndrome; Neoplastic Syndromes, Hereditary; Tumor predisposition; Hereditary neoplastic syndrome. Identifiers: Orphanet 140162, MedGen C0027672, MeSH D009386, MONDO:0015356.

Submissions (2):

Ambry Genetics
Classification: Likely benign for Hereditary cancer-predisposing syndrome. Last evaluated: 2026-02-17. Review status: criteria provided, single submitter. Criteria: Ambry Variant Classification Scheme 2023. Collection method: clinical testing. Allele origin: germline.

Labcorp Genetics (formerly Invitae), Labcorp
Classification: Uncertain significance. Last evaluated: 2024-11-30. Review status: criteria provided, single submitter. Criteria: Invitae Variant Classification Sherloc (09022015). Collection method: clinical testing. Allele origin: germline.
Comment: This sequence change replaces valine, which is neutral and non-polar, with leucine, which is neutral and non-polar, at codon 55 of the NTHL1 protein (p.Val55Leu). This variant is not present in population databases (gnomAD no frequency). This variant has not been reported in the literature in individuals affected with NTHL1-related conditions. An algorithm developed to predict the effect of missense changes on protein structure and function outputs the following: PolyPhen-2: "Benign". The leucine amino acid residue is found in multiple mammalian species, which suggests that this missense change does not adversely affect protein function. In summary, the available evidence is currently insufficient to determine the role of this variant in disease. Therefore, it has been classified as a Variant of Uncertain Significance.